The following is an entry in ClinVar:

ClinVar aggregate classification (germline): Uncertain significance (1 of 4 stars; one submission).

Conditions:
Cardiovascular phenotype. Identifiers: MedGen CN230736.

Allele frequency attached by ClinVar (database versions not stated): TOPMed below 0.00001; gnomAD 0.00001; gnomAD exomes below 0.00001.
gnomAD v4.1: 2 of 1,597,774 alleles (0.00013%); highest among the groups gnomAD compares: African/African-American, 0.0027%; no homozygotes.

Submission:

Ambry Genetics
Classification: Uncertain significance for Cardiovascular phenotype. Last evaluated: 2022-05-03. Review status: criteria provided, single submitter. Criteria: Ambry Variant Classification Scheme 2023. Collection method: clinical testing. Allele origin: germline.
Comment: The c.474T>C variant (also known as p.T158T), located in coding exon 5 of the NEXN gene, results from a T to C substitution at nucleotide position 474. This nucleotide substitution does not change the threonine at codon 158. This nucleotide position is well conserved in available vertebrate species. In silico splice site analysis for this alteration is inconclusive. Since supporting evidence is limited at this time, the clinical significance of this alteration remains unclear.

NM_144573.4(NEXN):c.474T>C (p.Thr158=)

Gene: NEXN (nexilin F-actin binding protein; plus strand). Cytogenetic location: 1p31.1.
Variant type: single nucleotide variant.
Coding change: c.474T>C on transcript NM_144573.4 (MANE Select); coding-DNA position 474, T replaced by C.
Protein change: p.Thr158=; no amino-acid change (threonine 158 retained).
Molecular consequence: synonymous variant.
Genome position (GRCh38, 1-based): chr1:77,925,214, T>C. VCF-style: chr1-77925214-T-C. GRCh37 (hg19) VCF-style: chr1-78390899-T-C.
Other names: c.282T>C, p.Thr94= (NM_001172309.2).
Identifiers: ClinVar variation 1742838 (VCV001742838.2), dbSNP rs1317114598, ClinGen allele CA418571768.